The following is an entry in ClinVar:

NM_182643.3(DLC1):c.2126A>G (p.Lys709Arg)

Gene: DLC1 (DLC1 Rho GTPase activating protein; minus strand). Cytogenetic location: 8p22.
Variant type: single nucleotide variant.
Coding change: c.2126A>G on transcript NM_182643.3 (MANE Select); coding-DNA position 2126, A replaced by G.
Protein change: p.Lys709Arg; replaces lysine 709 with arginine.
Molecular consequence: missense variant.
Genome position (GRCh38, 1-based): chr8:13,100,211, T>C on the plus strand (A>G on the coding strand, the complement: DLC1 is on the minus strand). VCF-style: chr8-13100211-T-C. GRCh37 (hg19) VCF-style: chr8-12957720-T-C.
Other names: c.593A>G, p.Lys198Arg (NM_001164271.2, NM_001348082.2, NM_001348083.1 and 6 more transcripts); c.917A>G, p.Lys306Arg (NM_001316668.2, NM_001413129.1); c.2126A>G, p.Lys709Arg (NM_001348081.2, NM_001413124.1); c.908A>G, p.Lys303Arg (NM_001413130.1); c.566A>G, p.Lys189Arg (NM_001413131.1, NM_001413137.1); c.1052A>G, p.Lys351Arg (NM_001413132.1); c.815A>G, p.Lys272Arg (NM_001413135.1, NM_001413136.1, NM_001413139.1 and 1 more transcripts); c.950A>G, p.Lys317Arg (NM_001413140.1); short protein forms K189R, K709R, K303R, K351R, K198R, K272R, K306R, K317R.
Identifiers: ClinVar variation 3016512 (VCV003016512.4), dbSNP rs1818927011, ClinGen allele CA370346656.

ClinVar aggregate classification (germline): Uncertain significance. Review status: criteria provided, multiple submitters, no conflicts (2 of 4 stars). 2 submissions from 2 submitters: Uncertain significance (2). Last evaluated 2024-01-20.

Conditions:
Colorectal cancer. Also called: Colorectal cancer, somatic; Malignant Colorectal Neoplasm. Identifiers: MedGen C0346629, MONDO:0005575, OMIM 114500.

Allele frequency attached by ClinVar (database versions not stated): gnomAD exomes below 0.00001.
gnomAD v4.1: 1 of 1,614,202 alleles (0.000062%); highest among the groups gnomAD compares: Admixed American, 0.0017%; no homozygotes.

Submissions (2):

Fulgent Genetics
Classification: Uncertain significance for Colorectal cancer. Last evaluated: 2024-01-20. Review status: criteria provided, single submitter. Criteria: ACMG Guidelines, 2015. Collection method: clinical testing. Allele origin: germline.

Labcorp Genetics (formerly Invitae), Labcorp
Classification: Uncertain significance. Last evaluated: 2023-02-16. Review status: criteria provided, single submitter. Criteria: Invitae Variant Classification Sherloc (09022015). Collection method: clinical testing. Allele origin: germline.
Comment: This sequence change replaces lysine, which is basic and polar, with arginine, which is basic and polar, at codon 709 of the DLC1 protein (p.Lys709Arg). This variant is not present in population databases (gnomAD no frequency). This variant has not been reported in the literature in individuals affected with DLC1-related conditions. Algorithms developed to predict the effect of missense changes on protein structure and function output the following: SIFT: "Not Available"; PolyPhen-2: "Benign"; Align-GVGD: "Not Available". The arginine amino acid residue is found in multiple mammalian species, which suggests that this missense change does not adversely affect protein function. In summary, the available evidence is currently insufficient to determine the role of this variant in disease. Therefore, it has been classified as a Variant of Uncertain Significance.